The following is an entry in ClinVar:

NM_194255.4(SLC19A1):c.1139T>C (p.Val380Ala)

Gene: SLC19A1 (solute carrier family 19 member 1; minus strand). Cytogenetic location: 21q22.3.
Variant type: single nucleotide variant.
Coding change: c.1139T>C on transcript NM_194255.4 (MANE Select); coding-DNA position 1139, T replaced by C.
Protein change: p.Val380Ala; replaces valine 380 with alanine.
Molecular consequence: missense variant.
Genome position (GRCh38, 1-based): chr21:45,530,782, A>G on the plus strand (T>C on the coding strand, the complement: SLC19A1 is on the minus strand). VCF-style: chr21-45530782-A-G. GRCh37 (hg19) VCF-style: chr21-46950696-A-G.
Other names: c.1139T>C, p.Val380Ala (NM_001205206.4, NM_001352511.3, NM_001352512.2); c.1019T>C, p.Val340Ala (NM_001205207.3); c.785T>C, p.Val262Ala (NM_001352510.2); short protein forms V262A, V340A, V380A.
Identifiers: ClinVar variation 2285775 (VCV002285775.6), dbSNP rs2077848467, ClinGen allele CA410506509.

ClinVar aggregate classification (germline): Uncertain significance. Review status: criteria provided, multiple submitters, no conflicts (2 of 4 stars). 2 submissions from 2 submitters: Uncertain significance (2). Last evaluated 2025-08-18.

Allele frequency attached by ClinVar (database versions not stated): gnomAD exomes below 0.00001; gnomAD 0.00001.

Submissions (2):

Labcorp Genetics (formerly Invitae), Labcorp
Classification: Uncertain significance. Last evaluated: 2025-08-18. Review status: criteria provided, single submitter. Criteria: Invitae Variant Classification Sherloc (09022015). Collection method: clinical testing. Allele origin: germline.
Comment: This sequence change replaces valine, which is neutral and non-polar, with alanine, which is neutral and non-polar, at codon 380 of the SLC19A1 protein (p.Val380Ala). This variant is not present in population databases (gnomAD no frequency). This variant has not been reported in the literature in individuals affected with SLC19A1-related conditions. ClinVar contains an entry for this variant (Variation ID: 2285775). An algorithm developed to predict the effect of missense changes on protein structure and function (PolyPhen-2) suggests that this variant is likely to be disruptive. In summary, the available evidence is currently insufficient to determine the role of this variant in disease. Therefore, it has been classified as a Variant of Uncertain Significance.

Ambry Genetics
Classification: Uncertain significance. Last evaluated: 2024-08-20. Review status: criteria provided, single submitter. Criteria: Ambry Variant Classification Scheme 2023. Collection method: clinical testing. Allele origin: germline.